The following is an entry in ClinVar:

NM_199420.4(POLQ):c.345T>C (p.Ala115=)

Gene: POLQ (DNA polymerase theta; minus strand). Cytogenetic location: 3q13.33.
Variant type: single nucleotide variant.
Coding change: c.345T>C on transcript NM_199420.4 (MANE Select); coding-DNA position 345, T replaced by C.
Protein change: p.Ala115=; no amino-acid change (alanine 115 retained).
Molecular consequence: synonymous variant.
Genome position (GRCh38, 1-based): chr3:121,541,478, A>G on the plus strand (T>C on the coding strand, the complement: POLQ is on the minus strand). VCF-style: chr3-121541478-A-G. GRCh37 (hg19) VCF-style: chr3-121260325-A-G.
Identifiers: ClinVar variation 1731634 (VCV001731634.27), dbSNP rs141638362, ClinGen allele CA2563835.
Genomic context (GRCh38, chr3:121,541,478, plus strand): 5'-TTCCAAAACCCGCTTCAAAATAAGTAATTCTGCCACAAGAGTCTTCCCAGCACTTGTAGG[A>G]GCTAAAACATGATTATTCCACAAGATTATAAGAAAAAAGTAATATTCGGTACAATTCATT-3'
Protein context (NP_955452.3, residues 105-125): VLEGKNLVYS[Ala115=]PTSAGKTLVA

ClinVar aggregate classification (germline): Benign/Likely benign. Review status: criteria provided, multiple submitters, no conflicts (2 of 4 stars). 3 submissions from 3 submitters: Benign (1); Likely benign (1). 1 of the submissions does not count toward it. Last evaluated 2022-04-01.

Conditions:
POLQ-related disorder. Also called: POLQ-related condition.

Allele frequency attached by ClinVar (database versions not stated): 1000 Genomes Project 0.00100; 1000 Genomes Project 30x 0.00125; ESP Exome Variant Server 0.00185; TOPMed 0.00235; gnomAD 0.00236; ExAC 0.00261; gnomAD exomes 0.00346.
gnomAD v4.1: 5,336 of 1,588,306 alleles (0.34%); highest among the groups gnomAD compares: Non-Finnish European, 0.4%; 11 homozygotes.

Submissions (3):

CeGaT Center for Human Genetics Tuebingen
Classification: Benign. Last evaluated: 2022-04-01. Review status: criteria provided, single submitter. Criteria: CeGaT Center For Human Genetics Tuebingen Variant Classification Criteria Version 2. Collection method: clinical testing. Allele origin: germline. Affected: yes. Observed: 1 variant allele.
Comment: POLQ: BS1, BS2

Ambry Genetics
Classification: Likely benign. Last evaluated: 2022-02-12. Review status: criteria provided, single submitter. Criteria: Ambry Variant Classification Scheme 2023. Collection method: clinical testing. Allele origin: germline.

PreventionGenetics, part of Exact Sciences
Classification: Likely benign for POLQ-related condition. Last evaluated: 2019-02-19. Review status: no assertion criteria provided. Collection method: clinical testing. Allele origin: germline. Not counted in ClinVar's aggregate classification.
Comment: This variant is classified as likely benign based on ACMG/AMP sequence variant interpretation guidelines (Richards et al. 2015 PMID: 25741868, with internal and published modifications).